The following is an entry in ClinVar:

ClinVar aggregate classification (germline): Likely benign (1 of 4 stars; one submission).

Allele frequency attached by ClinVar (database versions not stated): ExAC 0.00003; gnomAD 0.00009; TOPMed 0.00010; gnomAD exomes 0.00014; ESP Exome Variant Server 0.00019.
gnomAD v4.1: 166 of 1,209,947 alleles (0.014%); highest among the groups gnomAD compares: Non-Finnish European, 0.017%; no homozygotes.

Submission:

CeGaT Center for Human Genetics Tuebingen
Classification: Likely benign. Last evaluated: 2023-04-01. Review status: criteria provided, single submitter. Criteria: CeGaT Center For Human Genetics Tuebingen Variant Classification Criteria Version 2. Collection method: clinical testing. Allele origin: germline. Affected: yes. Observed: 1 variant allele.
Comment: CCNB3: BP4, BP7, BS2

NM_033031.3(CCNB3):c.2376G>A (p.Ala792=)

Gene: CCNB3 (cyclin B3; plus strand). Cytogenetic location: Xp11.22.
Variant type: single nucleotide variant.
Coding change: c.2376G>A on transcript NM_033031.3 (MANE Select); coding-DNA position 2376, G replaced by A.
Protein change: p.Ala792=; no amino-acid change (alanine 792 retained).
Molecular consequence: synonymous variant. On other transcripts: intron variant (1).
Genome position (GRCh38, 1-based): chrX:50,310,545, G>A. VCF-style: chrX-50310545-G-A. GRCh37 (hg19) VCF-style: chrX-50053545-G-A.
Other names: c.204+21658G>A (NM_033670.4).
Identifiers: ClinVar variation 2660546 (VCV002660546.24), dbSNP rs374751350, ClinGen allele CA10414693.